The following is an entry in ClinVar:

ClinVar aggregate classification (germline): Uncertain significance (1 of 4 stars; one submission).

Conditions:
Primary ciliary dyskinesia. Also called: Ciliary dyskinesia. Identifiers: Orphanet 244, MedGen C0008780, MONDO:0016575, HP:0012265.

Submission:

Labcorp Genetics (formerly Invitae), Labcorp
Classification: Uncertain significance for Primary ciliary dyskinesia. Last evaluated: 2022-02-21. Review status: criteria provided, single submitter. Criteria: Invitae Variant Classification Sherloc (09022015). Collection method: clinical testing. Allele origin: germline.
Comment: This variant is not present in population databases (gnomAD no frequency). This sequence change replaces glutamic acid, which is acidic and polar, with aspartic acid, which is acidic and polar, at codon 1265 of the DNAH5 protein (p.Glu1265Asp). This variant has not been reported in the literature in individuals affected with DNAH5-related conditions. Advanced modeling of protein sequence and biophysical properties (such as structural, functional, and spatial information, amino acid conservation, physicochemical variation, residue mobility, and thermodynamic stability) performed at Invitae indicates that this missense variant is not expected to disrupt DNAH5 protein function. In summary, the available evidence is currently insufficient to determine the role of this variant in disease. Therefore, it has been classified as a Variant of Uncertain Significance.

NM_001369.3(DNAH5):c.3795G>C (p.Glu1265Asp)

Genes: DNAH5 (dynein axonemal heavy chain 5; minus strand), DNAH5-AS1 (DNAH5 antisense RNA 1; plus strand). Cytogenetic location: 5p15.2.
Variant type: single nucleotide variant.
Coding change: c.3795G>C on transcript NM_001369.3 (MANE Select); coding-DNA position 3795, G replaced by C.
Protein change: p.Glu1265Asp; replaces glutamic acid 1265 with aspartic acid.
Molecular consequence: missense variant.
Genome position (GRCh38, 1-based): chr5:13,870,806, C>G on the plus strand (G>C on the coding strand, the complement: DNAH5 is on the minus strand). VCF-style: chr5-13870806-C-G. GRCh37 (hg19) VCF-style: chr5-13870915-C-G.
Other names: short protein forms E1265D.
Identifiers: ClinVar variation 2101076 (VCV002101076.4), dbSNP rs2546995639, ClinGen allele CA359231435.